The following is an entry in ClinVar:

NM_000113.3(TOR1A):c.873A>T (p.Glu291Asp)

Gene: TOR1A (torsin family 1 member A; minus strand). Cytogenetic location: 9q34.11.
Variant type: single nucleotide variant.
Coding change: c.873A>T on transcript NM_000113.3 (MANE Select); coding-DNA position 873, A replaced by T.
Protein change: p.Glu291Asp; replaces glutamic acid 291 with aspartic acid.
Molecular consequence: missense variant.
Genome position (GRCh38, 1-based): chr9:129,814,098, T>A on the plus strand (A>T on the coding strand, the complement: TOR1A is on the minus strand). VCF-style: chr9-129814098-T-A. GRCh37 (hg19) VCF-style: chr9-132576377-T-A.
Other names: short protein forms E291D.
Identifiers: ClinVar variation 2709224 (VCV002709224.3), dbSNP rs2490554162, ClinGen allele CA375197723.

ClinVar aggregate classification (germline): Uncertain significance (1 of 4 stars; one submission).

Conditions:
Dystonic disorder. Also called: Dystonia. Identifiers: MedGen C0013421, MONDO:0003441, HP:0001332.

gnomAD v4.1: 2 of 1,614,226 alleles (0.00012%); highest among the groups gnomAD compares: African/African-American, 0.0027%; no homozygotes.

Submission:

Labcorp Genetics (formerly Invitae), Labcorp
Classification: Uncertain significance for Dystonic disorder. Last evaluated: 2024-01-13. Review status: criteria provided, single submitter. Criteria: Invitae Variant Classification Sherloc (09022015). Collection method: clinical testing. Allele origin: germline.
Comment: This sequence change replaces glutamic acid, which is acidic and polar, with aspartic acid, which is acidic and polar, at codon 291 of the TOR1A protein (p.Glu291Asp). This variant is not present in population databases (gnomAD no frequency). This variant has not been reported in the literature in individuals affected with TOR1A-related conditions. Advanced modeling of protein sequence and biophysical properties (such as structural, functional, and spatial information, amino acid conservation, physicochemical variation, residue mobility, and thermodynamic stability) performed at Invitae indicates that this missense variant is not expected to disrupt TOR1A protein function with a negative predictive value of 80%. In summary, the available evidence is currently insufficient to determine the role of this variant in disease. Therefore, it has been classified as a Variant of Uncertain Significance.